The following is an entry in ClinVar:

ClinVar aggregate classification (germline): Uncertain significance. Review status: criteria provided, multiple submitters, no conflicts (2 of 4 stars). 2 submissions from 2 submitters: Uncertain significance (2). Last evaluated 2024-03-13.

Conditions:
Cardiovascular phenotype. Identifiers: MedGen CN230736.
Walker-Warburg congenital muscular dystrophy. Also called: Muscular dystrophy-dystroglycanopathy, type A; Walker-Warburg syndrome. Identifiers: Orphanet 899, MedGen C0265221, MONDO:0000171.

Allele frequency attached by ClinVar (database versions not stated): gnomAD exomes below 0.00001; TOPMed below 0.00001; gnomAD 0.00001.
gnomAD v4.1: 3 of 1,578,358 alleles (0.00019%); highest among the groups gnomAD compares: African/African-American, 0.004%; no homozygotes.

Submissions (2):

Ambry Genetics
Classification: Uncertain significance for Cardiovascular phenotype. Last evaluated: 2024-03-13. Review status: criteria provided, single submitter. Criteria: Ambry Variant Classification Scheme 2023. Collection method: clinical testing. Allele origin: germline.
Comment: The p.S2R variant (also known as c.6T>G), located in coding exon 1 of the FKTN gene, results from a T to G substitution at nucleotide position 6. The serine at codon 2 is replaced by arginine, an amino acid with dissimilar properties. This amino acid position is conserved. In addition, this alteration is predicted to be tolerated by in silico analysis. Based on the available evidence, the clinical significance of this alteration remains unclear.

Labcorp Genetics (formerly Invitae), Labcorp
Classification: Uncertain significance for Walker-Warburg congenital muscular dystrophy. Last evaluated: 2021-09-20. Review status: criteria provided, single submitter. Criteria: Invitae Variant Classification Sherloc (09022015). Collection method: clinical testing. Allele origin: germline.
Comment: In summary, the available evidence is currently insufficient to determine the role of this variant in disease. Therefore, it has been classified as a Variant of Uncertain Significance. Algorithms developed to predict the effect of missense changes on protein structure and function (SIFT, PolyPhen-2, Align-GVGD) all suggest that this variant is likely to be tolerated. This variant has not been reported in the literature in individuals affected with FKTN-related conditions. This variant is not present in population databases (ExAC no frequency). This sequence change replaces serine with arginine at codon 2 of the FKTN protein (p.Ser2Arg). The serine residue is moderately conserved and there is a moderate physicochemical difference between serine and arginine.

NM_001079802.2(FKTN):c.6T>G (p.Ser2Arg)

Gene: FKTN (fukutin; plus strand). Cytogenetic location: 9q31.2.
Variant type: single nucleotide variant.
Coding change: c.6T>G on transcript NM_001079802.2 (MANE Select); coding-DNA position 6, T replaced by G.
Protein change: p.Ser2Arg; replaces serine 2 with arginine.
Molecular consequence: missense variant. On other transcripts: 5 prime UTR variant (5), non-coding transcript variant (2).
Genome position (GRCh38, 1-based): chr9:105,575,038, T>G. VCF-style: chr9-105575038-T-G. GRCh37 (hg19) VCF-style: chr9-108337319-T-G.
Other names: c.6T>G, p.Ser2Arg (NM_001198963.2, NM_001351496.2, NM_001351498.2 and 1 more transcripts); c.-162T>G (NM_001351497.2); c.-509T>G (NM_001351499.2, NM_001351500.2, NM_001351501.2 and 1 more transcripts); c.6T>G (NM_001079802.1); short protein forms S2R.
Identifiers: ClinVar variation 1499818 (VCV001499818.5), dbSNP rs1350049256, ClinGen allele CA374330791.